The following is an entry in ClinVar:

ClinVar aggregate classification (germline): Uncertain significance (1 of 4 stars; one submission).

Allele frequency attached by ClinVar (database versions not stated): gnomAD exomes 0.00001 and 0.00002; TOPMed 0.00001; ExAC 0.00002.
gnomAD v4.1: 14 of 1,614,140 alleles (0.00087%); highest among the groups gnomAD compares: Admixed American, 0.0017%; no homozygotes.

Submission:

Labcorp Genetics (formerly Invitae), Labcorp
Classification: Uncertain significance. Last evaluated: 2024-11-13. Review status: criteria provided, single submitter. Criteria: Invitae Variant Classification Sherloc (09022015). Collection method: clinical testing. Allele origin: germline.
Comment: This sequence change replaces arginine, which is basic and polar, with tryptophan, which is neutral and slightly polar, at codon 190 of the ERBB2 protein (p.Arg190Trp). This variant is present in population databases (rs753419830, gnomAD 0.003%). This variant has not been reported in the literature in individuals affected with ERBB2-related conditions. ClinVar contains an entry for this variant (Variation ID: 1436651). Invitae Evidence Modeling of protein sequence and biophysical properties (such as structural, functional, and spatial information, amino acid conservation, physicochemical variation, residue mobility, and thermodynamic stability) indicates that this missense variant is not expected to disrupt ERBB2 protein function with a negative predictive value of 80%. In summary, the available evidence is currently insufficient to determine the role of this variant in disease. Therefore, it has been classified as a Variant of Uncertain Significance.

NM_004448.4(ERBB2):c.568C>T (p.Arg190Trp)

Gene: ERBB2 (erb-b2 receptor tyrosine kinase 2; plus strand). Cytogenetic location: 17q12.
Variant type: single nucleotide variant.
Coding change: c.568C>T on transcript NM_004448.4 (MANE Select); coding-DNA position 568, C replaced by T.
Protein change: p.Arg190Trp; replaces arginine 190 with tryptophan.
Molecular consequence: missense variant. On other transcripts: non-coding transcript variant (1), intron variant (2).
Genome position (GRCh38, 1-based): chr17:39,709,446, C>T. VCF-style: chr17-39709446-C-T. GRCh37 (hg19) VCF-style: chr17-37865699-C-T.
Other names: c.478C>T, p.Arg160Trp (NM_001382782.1, NM_001382783.1, NM_001005862.3 and 1 more transcripts); c.568C>T, p.Arg190Trp (NM_001382784.1, NM_001382785.1, NM_001382786.1 and 17 more transcripts); c.643C>T, p.Arg215Trp (NM_001382787.1); c.559C>T, p.Arg187Trp (NM_001382791.1); c.440-412C>T (NM_001382799.1); c.74-2482C>T (NM_001382804.1); c.523C>T, p.Arg175Trp (NM_001289936.2); short protein forms R175W, R160W, R190W, R187W, R215W.
Identifiers: ClinVar variation 1436651 (VCV001436651.6), dbSNP rs753419830, ClinGen allele CA8533651.